The following is an entry in ClinVar:

ClinVar aggregate classification (germline): Likely pathogenic (1 of 4 stars; one submission).

Submission:

Labcorp Genetics (formerly Invitae), Labcorp
Classification: Likely pathogenic. Last evaluated: 2022-02-22. Review status: criteria provided, single submitter. Criteria: Invitae Variant Classification Sherloc (09022015). Collection method: clinical testing. Allele origin: germline.
Comment: In summary, the currently available evidence indicates that the variant is pathogenic, but additional data are needed to prove that conclusively. Therefore, this variant has been classified as Likely Pathogenic. This variant has not been reported in the literature in individuals affected with EYS-related conditions. This variant results in a copy number gain of the genomic region encompassing exon(s) 9-12 of the EYS gene. While the exact position of this variant cannot be determined from the data, sub-genic copy number gains are generally in tandem (PMID: 25640679). This variant is predicted to be out-of-frame, and may result in an absent or disrupted protein product. Loss-of-function variants in EYS are known to be pathogenic (PMID: 18836446, 20333770).

Literature cited by the submitters: PubMed 25640679; PubMed 18836446; PubMed 20333770.

NC_000006.11:g.(?_66005746)_(66063520_?)dup

Gene: EYS (eyes shut homolog; minus strand). Cytogenetic location: 6q12.
Variant type: Duplication.
Identifiers: ClinVar variation 2423863 (VCV002423863.4).